The following is an entry in ClinVar:

NM_005996.4(TBX3):c.543A>G (p.Pro181=)

Gene: TBX3 (T-box transcription factor 3; minus strand). Cytogenetic location: 12q24.21.
Variant type: single nucleotide variant.
Coding change: c.543A>G on transcript NM_005996.4 (MANE Select); coding-DNA position 543, A replaced by G.
Protein change: p.Pro181=; no amino-acid change (proline 181 retained).
Molecular consequence: synonymous variant.
Genome position (GRCh38, 1-based): chr12:114,680,993, T>C on the plus strand (A>G on the coding strand, the complement: TBX3 is on the minus strand). VCF-style: chr12-114680993-T-C. GRCh37 (hg19) VCF-style: chr12-115118798-T-C.
Other names: c.543A>G, p.Pro181= (NM_016569.4).
Identifiers: ClinVar variation 3351751 (VCV003351751.1).

ClinVar aggregate classification (germline): Likely benign (0 of 4 stars; one submission).

Conditions:
TBX3-related disorder. Also called: TBX3-related condition.

Submission:

PreventionGenetics, part of Exact Sciences
Classification: Likely benign for TBX3-related condition. Last evaluated: 2024-04-09. Review status: no assertion criteria provided. Collection method: clinical testing. Allele origin: germline.
Comment: This variant is classified as likely benign based on ACMG/AMP sequence variant interpretation guidelines (Richards et al. 2015 PMID: 25741868, with internal and published modifications).